The following is an entry in ClinVar:

NM_004646.4(NPHS1):c.1801G>C (p.Gly601Arg)

Gene: NPHS1 (NPHS1 adhesion molecule, nephrin; minus strand). Cytogenetic location: 19q13.12.
Variant type: single nucleotide variant.
Coding change: c.1801G>C on transcript NM_004646.4 (MANE Select); coding-DNA position 1801, G replaced by C.
Protein change: p.Gly601Arg; replaces glycine 601 with arginine.
Molecular consequence: missense variant.
Genome position (GRCh38, 1-based): chr19:35,845,497, C>G on the plus strand (G>C on the coding strand, the complement: NPHS1 is on the minus strand). VCF-style: chr19-35845497-C-G. GRCh37 (hg19) VCF-style: chr19-36336399-C-G.
Other names: short protein forms G601R.
Identifiers: ClinVar variation 56451 (VCV000056451.2), dbSNP rs386833893, ClinGen allele CA250143.

ClinVar aggregate classification (germline): Likely pathogenic (0 of 4 stars; one submission).

Conditions:
Finnish congenital nephrotic syndrome (NPHS1). Also called: NEPHROTIC SYNDROME, TYPE 1. Identifiers: Orphanet 839, MedGen C0403399, MONDO:0009732, OMIM 256300.

Submission:

Juha Muilu Group; Institute for Molecular Medicine Finland (FIMM)
Classification: Likely pathogenic for Finnish congenital nephrotic syndrome. Review status: no assertion criteria provided. Collection method: not provided. Allele origin: unknown.
Comment: FinDis database variant: This variant was not found or characterized by our laboratory, data were collected from public sources: see reference
ClinVar note: Converted during submission from probable-pathogenic to Likely pathogenic.